The following is an entry in ClinVar:

ClinVar aggregate classification (germline): Likely pathogenic (1 of 4 stars; one submission).

Conditions:
Autosomal recessive limb-girdle muscular dystrophy type 2J (LGMDR10). Also called: Limb-girdle muscular dystrophy, type 2J; MUSCULAR DYSTROPHY, LIMB-GIRDLE, AUTOSOMAL RECESSIVE 10. Identifiers: Orphanet 140922, MedGen C1837342, MONDO:0012127, OMIM 608807.
Dilated cardiomyopathy 1G (CMD1G). Identifiers: Orphanet 154, MedGen C1858763, MONDO:0011400, OMIM 604145.

Submission:

Labcorp Genetics (formerly Invitae), Labcorp
Classification: Likely pathogenic for Dilated cardiomyopathy 1G; Autosomal recessive limb-girdle muscular dystrophy type 2J. Last evaluated: 2024-10-18. Review status: criteria provided, single submitter. Criteria: Invitae Variant Classification Sherloc (09022015). Collection method: clinical testing. Allele origin: germline.
Comment: This sequence change affects an acceptor splice site in intron 120 of the TTN gene. While this is not anticipated to result in nonsense mediated decay, it is expected to create a truncated TTN protein. This variant is not present in population databases (gnomAD no frequency). This variant has not been reported in the literature in individuals affected with TTN-related conditions. ClinVar contains an entry for this variant (Variation ID: 2016357). Algorithms developed to predict the effect of sequence changes on RNA splicing suggest that this variant may disrupt the consensus splice site. This variant is located in the I band of TTN (PMID: 25589632). Truncating variants in this region have been reported in individuals affected with autosomal recessive centronuclear myopathy (PMID: 23975875, internal data). Truncating variants in this region have also been identified in individuals affected with autosomal dominant dilated cardiomyopathy and/or cardio-related conditions (PMID: 27869827, 32964742, internal data). In summary, the currently available evidence indicates that the variant is pathogenic, but additional data are needed to prove that conclusively. Therefore, this variant has been classified as Likely Pathogenic.

Literature cited by the submitters: PubMed 25589632; PubMed 23975875; PubMed 27869827; PubMed 32964742.

NM_001267550.2(TTN):c.31679-1G>A

Gene: TTN (titin; minus strand). Cytogenetic location: 2q31.2.
Variant type: single nucleotide variant.
Coding change: c.31679-1G>A on transcript NM_001267550.2 (MANE Select); the canonical splice acceptor site of the intron before coding-DNA position 31679, G replaced by A.
Molecular consequence: splice acceptor variant. On other transcripts: intron variant (3).
Genome position (GRCh38, 1-based): chr2:178,692,100, C>T on the plus strand (G>A on the coding strand, the complement: TTN is on the minus strand). VCF-style: chr2-178692100-C-T. GRCh37 (hg19) VCF-style: chr2-179556827-C-T.
Other names: c.13282+45982G>A (NM_003319.4); c.13858+45982G>A (NM_133437.4); c.13657+45982G>A (NM_133432.3); c.27947-1G>A (NM_133378.4); c.30728-1G>A (NM_001256850.1).
Identifiers: ClinVar variation 2016357 (VCV002016357.4), dbSNP rs2474507585, ClinGen allele CA349559334.